The following is an entry in ClinVar:

ClinVar aggregate classification (germline): Uncertain significance (0 of 4 stars; one submission).

Conditions:
MAGEL2-related disorder. Also called: MAGEL2-related condition.

Submission:

PreventionGenetics, part of Exact Sciences
Classification: Uncertain significance for MAGEL2-related condition. Last evaluated: 2024-04-18. Review status: no assertion criteria provided. Collection method: clinical testing. Allele origin: germline.
Comment: The MAGEL2 c.2295G>A variant is not predicted to result in an amino acid change (p.=). To our knowledge, this variant has not been reported in the literature. This variant is reported in 0.0033% of alleles in individuals of South Asian descent in gnomAD. At this time, the clinical significance of this variant is uncertain due to the absence of conclusive functional and genetic evidence.

NM_019066.5(MAGEL2):c.2295G>A (p.Ala765=)

Gene: MAGEL2 (MAGE family member L2; minus strand). Cytogenetic location: 15q11.2.
Variant type: single nucleotide variant.
Coding change: c.2295G>A on transcript NM_019066.5 (MANE Select); coding-DNA position 2295, G replaced by A.
Protein change: p.Ala765=; no amino-acid change (alanine 765 retained).
Molecular consequence: synonymous variant.
Genome position (GRCh38, 1-based): chr15:23,645,448, C>T on the plus strand (G>A on the coding strand, the complement: MAGEL2 is on the minus strand). VCF-style: chr15-23645448-C-T. GRCh37 (hg19) VCF-style: chr15-23890595-C-T.
Identifiers: ClinVar variation 3352819 (VCV003352819.1).
Genomic context (GRCh38, chr15:23,645,448, plus strand): 5'-GGGAGCAAAGGTCTCCGGTGTGGCAGGCAGGTTTTTCCAGGCAGCTGGCAGGTGTGCTCG[C>T]GCAGCTGACACTGCCTTGGGAGCACAGAAGGTGGCAGCAAAGATCATGCGGTCTTTTGAA-3'
Protein context (NP_061939.3, residues 755-775): TFCAPKAVSA[Ala765=]RAHLPAAWKN